The following is an entry in ClinVar:

ClinVar aggregate classification (germline): Benign/Likely benign. Review status: criteria provided, multiple submitters, no conflicts (2 of 4 stars). 5 submissions from 5 submitters: Benign (2); Likely benign (2). 1 of the submissions does not count toward it. Last evaluated 2025-11-29.

Conditions:
CIT-related disorder. Also called: CIT-related condition.

Allele frequency attached by ClinVar (database versions not stated): gnomAD exomes 0.00047 and 0.00113; ExAC 0.00142; 1000 Genomes Project 0.00399; 1000 Genomes Project 30x 0.00422; gnomAD 0.00452 and 0.00484; ESP Exome Variant Server 0.00469; TOPMed 0.00525.
gnomAD v4.1: 1,392 of 1,614,166 alleles (0.086%); highest among the groups gnomAD compares: African/African-American, 1.6%; 10 homozygotes.

Submissions (5):

Labcorp Genetics (formerly Invitae), Labcorp
Classification: Benign. Last evaluated: 2025-11-29. Review status: criteria provided, single submitter. Criteria: Invitae Variant Classification Sherloc (09022015). Collection method: clinical testing. Allele origin: germline.

GeneDx
Classification: Likely benign. Last evaluated: 2020-10-26. Review status: criteria provided, single submitter. Criteria: GeneDx Variant Classification Process June 2021. Collection method: clinical testing. Allele origin: germline. Affected: yes.

Genetic Services Laboratory, University of Chicago
Classification: Benign. Last evaluated: 2017-05-24. Review status: criteria provided, single submitter. Criteria: ACMG Guidelines, 2015. Collection method: clinical testing. Allele origin: germline. Affected: no.

Breakthrough Genomics
Classification: Likely benign. Review status: criteria provided, single submitter. Criteria: ACMG Guidelines, 2015. Collection method: not provided. Allele origin: germline. Inheritance: Autosomal recessive inheritance. Affected: yes.

PreventionGenetics, part of Exact Sciences
Classification: Benign for CIT-related condition. Last evaluated: 2020-02-17. Review status: no assertion criteria provided. Collection method: clinical testing. Allele origin: germline. Not counted in ClinVar's aggregate classification.
Comment: This variant is classified as benign based on ACMG/AMP sequence variant interpretation guidelines (Richards et al. 2015 PMID: 25741868, with internal and published modifications).

NM_001206999.2(CIT):c.3006C>T (p.Asn1002=)

Gene: CIT (citron rho-interacting serine/threonine kinase; minus strand). Cytogenetic location: 12q24.23.
Variant type: single nucleotide variant.
Coding change: c.3006C>T on transcript NM_001206999.2 (MANE Select); coding-DNA position 3006, C replaced by T.
Protein change: p.Asn1002=; no amino-acid change (asparagine 1002 retained).
Molecular consequence: synonymous variant.
Genome position (GRCh38, 1-based): chr12:119,735,310, G>A on the plus strand (C>T on the coding strand, the complement: CIT is on the minus strand). VCF-style: chr12-119735310-G-A. GRCh37 (hg19) VCF-style: chr12-120173115-G-A.
Other names: c.2880C>T, p.Asn960= (NM_007174.3).
Identifiers: ClinVar variation 434771 (VCV000434771.20), dbSNP rs79892909, ClinGen allele CA6821622.